The following is an entry in ClinVar:

ClinVar aggregate classification (germline): Conflicting classifications of pathogenicity. Review status: criteria provided, conflicting classifications (1 of 4 stars). 3 submissions from 1 submitter: Uncertain significance (2); Likely benign (1). Last evaluated 2018-01-13.

Conditions:
Fibrochondrogenesis 2 (FBCG2). Identifiers: Orphanet 2021, MedGen C3281128, MONDO:0013795, OMIM 614524.
Otospondylomegaepiphyseal dysplasia, autosomal recessive (OSMEDB). Also called: CHONDRODYSTROPHY WITH SENSORINEURAL DEAFNESS; Insley-Astley syndrome. Identifiers: Orphanet 1427, MedGen CN034493, MONDO:0044206, OMIM 215150.
Otospondylomegaepiphyseal dysplasia, autosomal dominant (OSMEDA). Also called: COL11A2-Related Stickler Syndrome; Stickler syndrome, type 3; Pierre Robin syndrome with fetal chondrodysplasia. Identifiers: Orphanet 166100, Orphanet 3450, MedGen C1848488, MONDO:0008490, OMIM 184840.

Allele frequency attached by ClinVar (database versions not stated): gnomAD exomes 0.00001; ExAC 0.00002.
gnomAD v4.1: 2 of 1,613,322 alleles (0.00012%); highest among the groups gnomAD compares: Non-Finnish European, 0.00017%; no homozygotes.

Submissions (3):

Illumina Laboratory Services, Illumina
Classification: Likely benign for Otospondylomegaepiphyseal dysplasia, autosomal recessive. Last evaluated: 2018-01-13. Review status: criteria provided, single submitter. Criteria: ICSL Variant Classification Criteria 13 December 2019. Collection method: clinical testing. Allele origin: germline.
Comment: This variant was observed in the ICSL laboratory as part of a predisposition screen in an ostensibly healthy population. It had not been previously curated by ICSL or reported in the Human Gene Mutation Database (HGMD: prior to June 1st, 2018), and was therefore a candidate for classification through an automated scoring system. Utilizing variant allele frequency, disease prevalence and penetrance estimates, and inheritance mode, an automated score was calculated to assess if this variant is too frequent to cause the disease. Based on the score and internal cut-off values, a variant classified as likely benign is not then subjected to further curation. The score for this variant resulted in a classification of likely benign for this disease.

Illumina Laboratory Services, Illumina
Classification: Uncertain significance for Otospondylomegaepiphyseal dysplasia, autosomal dominant. Last evaluated: 2018-01-13. Review status: criteria provided, single submitter. Criteria: ICSL Variant Classification Criteria 13 December 2019. Collection method: clinical testing. Allele origin: germline.

Illumina Laboratory Services, Illumina
Classification: Uncertain significance for Fibrochondrogenesis 2. Last evaluated: 2018-01-13. Review status: criteria provided, single submitter. Criteria: ICSL Variant Classification Criteria 13 December 2019. Collection method: clinical testing. Allele origin: germline.

NM_080680.3(COL11A2):c.4231-4C>G

Gene: COL11A2 (collagen type XI alpha 2 chain; minus strand). Cytogenetic location: 6p21.32.
Variant type: single nucleotide variant.
Coding change: c.4231-4C>G on transcript NM_080680.3 (MANE Select); 4 bases into the intron before coding-DNA position 4231, C replaced by G.
Molecular consequence: intron variant.
Genome position (GRCh38, 1-based): chr6:33,166,831, G>C on the plus strand (C>G on the coding strand, the complement: COL11A2 is on the minus strand). VCF-style: chr6-33166831-G-C. GRCh37 (hg19) VCF-style: chr6-33134608-G-C.
Other names: c.3910-4C>G (NM_080679.3); c.3973-4C>G (NM_080681.3).
Identifiers: ClinVar variation 904453 (VCV000904453.4), dbSNP rs564087840, ClinGen allele CA3750156.